The following is an entry in ClinVar:

NM_006269.2(RP1):c.154A>T (p.Arg52Trp)

Gene: RP1 (RP1 axonemal microtubule associated; plus strand). Cytogenetic location: 8q12.1.
Variant type: single nucleotide variant.
Coding change: c.154A>T on transcript NM_006269.2 (MANE Select); coding-DNA position 154, A replaced by T.
Protein change: p.Arg52Trp; replaces arginine 52 with tryptophan.
Molecular consequence: missense variant.
Genome position (GRCh38, 1-based): chr8:54,621,120, A>T. VCF-style: chr8-54621120-A-T. GRCh37 (hg19) VCF-style: chr8-55533680-A-T.
Other names: c.154A>T, p.Arg52Trp (NM_001375654.1); short protein forms R52W.
Identifiers: ClinVar variation 3618248 (VCV003618248.2).

ClinVar aggregate classification (germline): Uncertain significance (1 of 4 stars; one submission).

gnomAD v4.1: 3 of 1,614,068 alleles (0.00019%); highest among the groups gnomAD compares: African/African-American, 0.004%; no homozygotes.

Submission:

Labcorp Genetics (formerly Invitae), Labcorp
Classification: Uncertain significance. Last evaluated: 2024-10-07. Review status: criteria provided, single submitter. Criteria: Invitae Variant Classification Sherloc (09022015). Collection method: clinical testing. Allele origin: germline.
Comment: This sequence change replaces arginine, which is basic and polar, with tryptophan, which is neutral and slightly polar, at codon 52 of the RP1 protein (p.Arg52Trp). This variant is present in population databases (no rsID available, gnomAD 0.008%). This variant has not been reported in the literature in individuals affected with RP1-related conditions. An algorithm developed to predict the effect of missense changes on protein structure and function (PolyPhen-2) suggests that this variant is likely to be tolerated. In summary, the available evidence is currently insufficient to determine the role of this variant in disease. Therefore, it has been classified as a Variant of Uncertain Significance.